The following is an entry in ClinVar:

ClinVar aggregate classification (germline): Likely benign. Review status: criteria provided, multiple submitters, no conflicts (2 of 4 stars). 2 submissions from 2 submitters: Likely benign (2). Last evaluated 2025-09-27.

Conditions:
Multiple endocrine neoplasia, type 1 (MEN1). Also called: MEN I; WERMER SYNDROME; Endocrine adenomatosis multiple; MEN 1; MEA I. Identifiers: Orphanet 652, MedGen C0025267, MeSH D018761, MONDO:0007540, OMIM 131100.

Allele frequency attached by ClinVar (database versions not stated): TOPMed below 0.00001.

Submissions (2):

Labcorp Genetics (formerly Invitae), Labcorp
Classification: Likely benign for Multiple endocrine neoplasia, type 1. Last evaluated: 2025-09-27. Review status: criteria provided, single submitter. Criteria: Invitae Variant Classification Sherloc (09022015). Collection method: clinical testing. Allele origin: germline.

Myriad Genetics, Inc.
Classification: Likely benign for Multiple endocrine neoplasia, type 1. Last evaluated: 2024-11-04. Review status: criteria provided, single submitter. Criteria: Myriad Autosomal Dominant, Autosomal Recessive and X-Linked Classification Criteria (2023). Collection method: clinical testing. Allele origin: unknown.
Comment: This variant is considered likely benign. This variant is intronic and is not expected to impact mRNA splicing.

NM_001370259.2(MEN1):c.1050-7C>T

Gene: MEN1 (menin 1; minus strand). Cytogenetic location: 11q13.1.
Variant type: single nucleotide variant.
Coding change: c.1050-7C>T on transcript NM_001370259.2 (MANE Select); 7 bases into the intron before coding-DNA position 1050, C replaced by T.
Molecular consequence: intron variant.
Genome position (GRCh38, 1-based): chr11:64,805,777, G>A on the plus strand (C>T on the coding strand, the complement: MEN1 is on the minus strand). VCF-style: chr11-64805777-G-A. GRCh37 (hg19) VCF-style: chr11-64573249-G-A.
Other names: c.1065-7C>T (NM_130804.3, NM_130803.3, NM_000244.4 and 3 more transcripts); c.1050-7C>T (NM_130799.3, NM_001370260.2, NM_001370261.2); c.1176-7C>T (NM_001370251.2); c.945-7C>T (NM_001370263.2, NM_001370262.2).
Identifiers: ClinVar variation 1121987 (VCV001121987.10), dbSNP rs1000294408, ClinGen allele CA223914062.